The following is an entry in ClinVar:

NM_001244008.2(KIF1A):c.1297A>T (p.Ile433Phe)

Gene: KIF1A (kinesin family member 1A; minus strand). Cytogenetic location: 2q37.3.
Variant type: single nucleotide variant.
Coding change: c.1297A>T on transcript NM_001244008.2 (MANE Select); coding-DNA position 1297, A replaced by T.
Protein change: p.Ile433Phe; replaces isoleucine 433 with phenylalanine.
Molecular consequence: missense variant.
Genome position (GRCh38, 1-based): chr2:240,771,015, T>A on the plus strand (A>T on the coding strand, the complement: KIF1A is on the minus strand). VCF-style: chr2-240771015-T-A. GRCh37 (hg19) VCF-style: chr2-241710432-T-A.
Other names: c.1297A>T, p.Ile433Phe (NM_001320705.2, NM_001330289.2, NM_001379638.1); c.1372A>T, p.Ile458Phe (NM_001330290.2, NM_001379631.1, NM_001379634.1 and 2 more transcripts); c.1270A>T, p.Ile424Phe (NM_001379632.1, NM_001379633.1, NM_001379636.1 and 10 more transcripts); c.1345A>T, p.Ile449Phe (NM_001379637.1, NM_001379648.1); short protein forms I424F, I433F, I449F, I458F.
Identifiers: ClinVar variation 1053431 (VCV001053431.9), dbSNP rs2125950614, ClinGen allele CA351330493.

ClinVar aggregate classification (germline): Uncertain significance (1 of 4 stars; one submission).

Conditions:
Neuropathy, hereditary sensory, type 2C. Also called: Hereditary sensory and autonomic neuropathy type IIC; KIF1A-Related HSAN2 (HSAN2C). Identifiers: Orphanet 970, MedGen C3280168, MONDO:0013634, OMIM 614213.
Intellectual disability, autosomal dominant 9 (NESCAVS). Also called: KIF1A-Related Neurodevelopmental Disorder; NESCAV SYNDROME. Identifiers: Orphanet 662367, MedGen C5393830, MONDO:0013656, OMIM 614255.
Hereditary spastic paraplegia 30. Identifiers: Orphanet 101010, MedGen C5235139, MONDO:0012476.

gnomAD v4.1: 5 of 1,612,978 alleles (0.00031%); highest among the groups gnomAD compares: Non-Finnish European, 0.00042%; no homozygotes.

Submission:

Labcorp Genetics (formerly Invitae), Labcorp
Classification: Uncertain significance for Hereditary spastic paraplegia 30; Neuropathy, hereditary sensory, type 2C; Intellectual disability, autosomal dominant 9. Last evaluated: 2020-07-26. Review status: criteria provided, single submitter. Criteria: Invitae Variant Classification Sherloc (09022015). Collection method: clinical testing. Allele origin: germline.
Comment: In summary, the available evidence is currently insufficient to determine the role of this variant in disease. Therefore, it has been classified as a Variant of Uncertain Significance. Advanced modeling of protein sequence and biophysical properties (such as structural, functional, and spatial information, amino acid conservation, physicochemical variation, residue mobility, and thermodynamic stability) performed at Invitae indicates that this missense variant is not expected to disrupt KIF1A protein function. This variant has not been reported in the literature in individuals with KIF1A-related conditions. This variant is not present in population databases (ExAC no frequency). This sequence change replaces isoleucine with phenylalanine at codon 424 of the KIF1A protein (p.Ile424Phe). The isoleucine residue is moderately conserved and there is a small physicochemical difference between isoleucine and phenylalanine.